The following is an entry in ClinVar:

ClinVar aggregate classification (germline): Uncertain significance. Review status: criteria provided, multiple submitters, no conflicts (2 of 4 stars). 2 submissions from 2 submitters: Uncertain significance (2). Last evaluated 2025-12-22.

Conditions:
Bethlem myopathy 1A. Also called: Bethlem Muscular Dystrophy; Bethlem myopathy 1; MYOPATHY, BENIGN CONGENITAL, WITH CONTRACTURES. Identifiers: Orphanet 610, MedGen CN029274, MONDO:0024530, OMIM 158810.

Allele frequency attached by ClinVar (database versions not stated): gnomAD 0.00001; gnomAD exomes 0.00002; ExAC 0.00003.
gnomAD v4.1: 23 of 1,609,082 alleles (0.0014%); highest among the groups gnomAD compares: South Asian, 0.022%; no homozygotes.

Submissions (2):

Labcorp Genetics (formerly Invitae), Labcorp
Classification: Uncertain significance for Bethlem myopathy 1A. Last evaluated: 2025-12-22. Review status: criteria provided, single submitter. Criteria: Invitae Variant Classification Sherloc (09022015). Collection method: clinical testing. Allele origin: germline.
Comment: This sequence change replaces glutamic acid, which is acidic and polar, with glycine, which is neutral and non-polar, at codon 268 of the COL6A1 protein (p.Glu268Gly). The frequency data for this variant in the population databases is considered unreliable, as metrics indicate poor data quality at this position in the gnomAD database. This missense change has been observed in individual(s) with clinical features of COL6A1-related conditions (PMID: 39397694). ClinVar contains an entry for this variant (Variation ID: 2154062). Experimental studies and prediction algorithms are not available or were not evaluated, and the functional significance of this variant is currently unknown. In summary, the available evidence is currently insufficient to determine the role of this variant in disease. Therefore, it has been classified as a Variant of Uncertain Significance.

Kariminejad - Najmabadi Pathology & Genetics Center
Classification: Uncertain significance for Bethlem myopathy 1A. Last evaluated: 2023-10-22. Review status: criteria provided, single submitter. Criteria: ACMG Guidelines, 2015. Collection method: clinical testing. Allele origin: germline. Inheritance: Autosomal recessive inheritance. Affected: yes.
Comment: PM2,PP3

Literature cited by the submitters: PubMed 39397694 (cited by Labcorp Genetics (formerly Invitae), Labcorp).

NM_001848.3(COL6A1):c.803A>G (p.Glu268Gly)

Gene: COL6A1 (collagen type VI alpha 1 chain; plus strand). Cytogenetic location: 21q22.3.
Variant type: single nucleotide variant.
Coding change: c.803A>G on transcript NM_001848.3 (MANE Select); coding-DNA position 803, A replaced by G.
Protein change: p.Glu268Gly; replaces glutamic acid 268 with glycine.
Molecular consequence: missense variant.
Genome position (GRCh38, 1-based): chr21:45,987,653, A>G. VCF-style: chr21-45987653-A-G. GRCh37 (hg19) VCF-style: chr21-47407567-A-G.
Other names: short protein forms E268G.
Identifiers: ClinVar variation 2154062 (VCV002154062.5), dbSNP rs745611394, ClinGen allele CA10069756.